The following is an entry in ClinVar:

NM_022369.4(STRA6):c.1166+82C>T

Genes: STRA6 (signaling receptor and transporter of retinol STRA6; minus strand), LOC126862177 (CDK7 strongly-dependent group 2 enhancer GRCh37_chr15:74476518-74477717; plus strand). Cytogenetic location: 15q24.1.
Variant type: single nucleotide variant.
Coding change: c.1166+82C>T on transcript NM_022369.4 (MANE Select); 82 bases into the intron after coding-DNA position 1166, C replaced by T.
Molecular consequence: intron variant.
Genome position (GRCh38, 1-based): chr15:74,184,898, G>A on the plus strand (C>T on the coding strand, the complement: STRA6 is on the minus strand). VCF-style: chr15-74184898-G-A. GRCh37 (hg19) VCF-style: chr15-74477239-G-A.
Other names: c.1277+82C>T (NM_001199040.2); c.1139+82C>T (NM_001142619.2); c.1166+82C>T (NM_001142617.2, NM_001142618.2); c.1211+82C>T (NM_001199041.2); c.1283+82C>T (NM_001199042.2).
Identifiers: ClinVar variation 674953 (VCV000674953.2), dbSNP rs351237, ClinGen allele CA15845409.
Genomic context (GRCh38, chr15:74,184,898, plus strand): 5'-CAGCCACGCACAGGTGGGCTCCATGACAGCCCGGGCCGGCAGAGCCCTTCCCTCCCTCCA[G>A]GCCCAGGGCCTCCCCGCAGGCCCACAGGACTCCCACTCCTTCCCCACCTCGGCGCTGGGT-3'

ClinVar aggregate classification (germline): Benign. Review status: criteria provided, multiple submitters, no conflicts (2 of 4 stars). 2 submissions from 2 submitters: Benign (2). Last evaluated 2018-06-19.

Allele frequency attached by ClinVar (database versions not stated): gnomAD 0.51286 and 0.52321; TOPMed 0.51929; 1000 Genomes Project 30x 0.52748; 1000 Genomes Project 0.53594.
gnomAD v4.1: 868,275 of 1,419,060 alleles (61%); highest among the groups gnomAD compares: Middle Eastern, 72%; 271,940 homozygotes.

Submissions (2):

GeneDx
Classification: Benign. Last evaluated: 2018-06-19. Review status: criteria provided, single submitter. Criteria: GeneDx Variant Classification (06012015). Collection method: clinical testing. Allele origin: germline. Affected: yes.
Comment: This variant is considered likely benign or benign based on one or more of the following criteria: it is a conservative change, it occurs at a poorly conserved position in the protein, it is predicted to be benign by multiple in silico algorithms, and/or has population frequency not consistent with disease.

Breakthrough Genomics
Classification: Benign. Review status: criteria provided, single submitter. Criteria: ACMG Guidelines, 2015. Collection method: not provided. Allele origin: germline. Inheritance: Autosomal recessive inheritance. Affected: yes.